The following is an entry in ClinVar:

ClinVar aggregate classification (germline): Conflicting classifications of pathogenicity. Review status: criteria provided, conflicting classifications (1 of 4 stars). 2 submissions from 2 submitters: Uncertain significance (1); Likely benign (1). Last evaluated 2022-05-21.

Conditions:
Inborn genetic diseases. Identifiers: MedGen C0950123, MeSH D030342.

Allele frequency attached by ClinVar (database versions not stated): ExAC 0.00001; gnomAD exomes 0.00001; gnomAD 0.00004; TOPMed 0.00005.
gnomAD v4.1: 22 of 1,605,588 alleles (0.0014%); highest among the groups gnomAD compares: Non-Finnish European, 0.0018%; no homozygotes.

Submissions (2):

Labcorp Genetics (formerly Invitae), Labcorp
Classification: Uncertain significance. Last evaluated: 2022-05-21. Review status: criteria provided, single submitter. Criteria: Invitae Variant Classification Sherloc (09022015). Collection method: clinical testing. Allele origin: germline.
Comment: This sequence change replaces threonine, which is neutral and polar, with alanine, which is neutral and non-polar, at codon 819 of the CDHR1 protein (p.Thr819Ala). This variant is present in population databases (rs747960015, gnomAD 0.004%). This variant has not been reported in the literature in individuals affected with CDHR1-related conditions. Advanced modeling of protein sequence and biophysical properties (such as structural, functional, and spatial information, amino acid conservation, physicochemical variation, residue mobility, and thermodynamic stability) performed at Invitae indicates that this missense variant is not expected to disrupt CDHR1 protein function. In summary, the available evidence is currently insufficient to determine the role of this variant in disease. Therefore, it has been classified as a Variant of Uncertain Significance.

Ambry Genetics
Classification: Likely benign for Inborn genetic diseases. Last evaluated: 2021-08-12. Review status: criteria provided, single submitter. Criteria: Ambry Variant Classification Scheme 2023. Collection method: clinical testing. Allele origin: germline.

NM_033100.4(CDHR1):c.2455A>G (p.Thr819Ala)

Gene: CDHR1 (cadherin related family member 1; plus strand). Cytogenetic location: 10q23.1.
Variant type: single nucleotide variant.
Coding change: c.2455A>G on transcript NM_033100.4 (MANE Select); coding-DNA position 2455, A replaced by G.
Protein change: p.Thr819Ala; replaces threonine 819 with alanine.
Molecular consequence: missense variant. On other transcripts: intron variant (1).
Genome position (GRCh38, 1-based): chr10:84,214,496, A>G. VCF-style: chr10-84214496-A-G. GRCh37 (hg19) VCF-style: chr10-85974252-A-G.
Other names: c.2040+1148A>G (NM_001171971.3); short protein forms T819A.
Identifiers: ClinVar variation 2054872 (VCV002054872.2), dbSNP rs747960015, ClinGen allele CA5580239.